The following is an entry in ClinVar:

ClinVar aggregate classification (germline): Benign/Likely benign. Review status: criteria provided, multiple submitters, no conflicts (2 of 4 stars). 23 submissions from 16 submitters: Benign (12); Likely benign (8). 3 of the submissions do not count toward it. Last evaluated 2026-02-03.

Conditions:
Cardiovascular phenotype. Identifiers: MedGen CN230736.
Dilated cardiomyopathy 1G (CMD1G). Identifiers: Orphanet 154, MedGen C1858763, MONDO:0011400, OMIM 604145.
Autosomal recessive limb-girdle muscular dystrophy type 2J (LGMDR10). Also called: Limb-girdle muscular dystrophy, type 2J; MUSCULAR DYSTROPHY, LIMB-GIRDLE, AUTOSOMAL RECESSIVE 10. Identifiers: Orphanet 140922, MedGen C1837342, MONDO:0012127, OMIM 608807.
Cardiomyopathy (CMYO). Also called: Cardiomyopathies. Identifiers: Orphanet 167848, MedGen C0878544, MONDO:0004994, HP:0001638. Inheritance: Various modes of inheritance.
Early-onset myopathy with fatal cardiomyopathy (CMYO5). Also called: CONGENITAL MYOPATHY 5 WITH CARDIOMYOPATHY; Salih Myopathy. Identifiers: Orphanet 289377, MedGen C2673677, MONDO:0012714, OMIM 611705. Disease mechanism: loss of function.
Myopathy, myofibrillar, 9, with early respiratory failure (MFM9). Also called: MYOPATHY, PROXIMAL, WITH EARLY RESPIRATORY MUSCLE INVOLVEMENT; Myopathy, distal, with early respiratory failure, autosomal dominant; Hereditary myopathy with early respiratory failure; EDSTROM MYOPATHY. Identifiers: Orphanet 178464, Orphanet 34521, MedGen C1863599, MONDO:0011362, OMIM 603689.
Tibial muscular dystrophy (TMD). Also called: Tibial muscular dystrophy, tardive; UDD MYOPATHY; Udd Distal Myopathy – Tibial Muscular Dystrophy. Identifiers: Orphanet 609, MedGen C1838244, MONDO:0010870, OMIM 600334.
Hypertrophic cardiomyopathy. Also called: HYPERTROPHIC MYOCARDIOPATHY. Identifiers: Orphanet 217569, MedGen C0007194, MeSH D002312, MONDO:0005045, HP:0001639.

Allele frequency attached by ClinVar (database versions not stated): gnomAD 0.00145 and 0.00195; ESP Exome Variant Server 0.00153; TOPMed 0.00161; gnomAD exomes 0.00254 and 0.00407; ExAC 0.00436; 1000 Genomes Project 30x 0.00453; 1000 Genomes Project 0.00499.
gnomAD v4.1: 4,068 of 1,613,528 alleles (0.25%); highest among the groups gnomAD compares: South Asian, 1.8%; 41 homozygotes.

Submissions (23):

Labcorp Genetics (formerly Invitae), Labcorp
Classification: Benign for Dilated cardiomyopathy 1G; Autosomal recessive limb-girdle muscular dystrophy type 2J. Last evaluated: 2026-02-03. Review status: criteria provided, single submitter. Criteria: Invitae Variant Classification Sherloc (09022015). Collection method: clinical testing. Allele origin: germline.

Molecular Diagnostic Laboratory for Inherited Cardiovascular Disease, Montreal Heart Institute
Classification: Likely benign. Last evaluated: 2025-04-09. Review status: criteria provided, single submitter. Criteria: ACMG Guidelines, 2015. Collection method: clinical testing. Allele origin: germline. Affected: no.

Genome-Nilou Lab
Classification: Benign for Autosomal recessive limb-girdle muscular dystrophy type 2J. Last evaluated: 2021-09-10. Review status: criteria provided, single submitter. Criteria: ACMG Guidelines, 2015. Collection method: clinical testing. Allele origin: germline. Affected: no.

Genome-Nilou Lab
Classification: Benign for Myopathy, myofibrillar, 9, with early respiratory failure. Last evaluated: 2021-09-10. Review status: criteria provided, single submitter. Criteria: ACMG Guidelines, 2015. Collection method: clinical testing. Allele origin: germline. Affected: no.

Genome-Nilou Lab
Classification: Benign for Early-onset myopathy with fatal cardiomyopathy. Last evaluated: 2021-09-10. Review status: criteria provided, single submitter. Criteria: ACMG Guidelines, 2015. Collection method: clinical testing. Allele origin: germline. Affected: no.

Genome-Nilou Lab
Classification: Benign for Tibial muscular dystrophy. Last evaluated: 2021-09-10. Review status: criteria provided, single submitter. Criteria: ACMG Guidelines, 2015. Collection method: clinical testing. Allele origin: germline. Affected: no.

Women's Health and Genetics/Laboratory Corporation of America, LabCorp
Classification: Likely benign. Last evaluated: 2020-11-09. Review status: criteria provided, single submitter. Criteria: LabCorp Variant Classification Summary - May 2015. Collection method: clinical testing. Allele origin: germline.

Center for Advanced Laboratory Medicine, UC San Diego Health, University of California San Diego
Classification: Benign for Hypertrophic cardiomyopathy. Last evaluated: 2018-06-15. Review status: criteria provided, single submitter. Criteria: ACMG Guidelines, 2015. Collection method: clinical testing. Allele origin: germline. Affected: yes. Observed: 1 variant allele.

Illumina Laboratory Services, Illumina
Classification: Benign for Myopathy, myofibrillar, 9, with early respiratory failure. Last evaluated: 2018-01-13. Review status: criteria provided, single submitter. Criteria: ICSL Variant Classification Criteria 13 December 2019. Collection method: clinical testing. Allele origin: germline.
Comment: This variant was observed in the ICSL laboratory as part of a predisposition screen in an ostensibly healthy population. It had not been previously curated by ICSL or reported in the Human Gene Mutation Database (HGMD: prior to June 1st, 2018), and was therefore a candidate for classification through an automated scoring system. Utilizing variant allele frequency, disease prevalence and penetrance estimates, and inheritance mode, an automated score was calculated to assess if this variant is too frequent to cause the disease. Based on the score and internal cut-off values, a variant classified as benign is not then subjected to further curation. The score for this variant resulted in a classification of benign for this disease.

Illumina Laboratory Services, Illumina
Classification: Likely benign for Dilated cardiomyopathy 1G. Last evaluated: 2018-01-13. Review status: criteria provided, single submitter. Criteria: ICSL Variant Classification Criteria 13 December 2019. Collection method: clinical testing. Allele origin: germline.
Comment: This variant was observed in the ICSL laboratory as part of a predisposition screen in an ostensibly healthy population. It had not been previously curated by ICSL or reported in the Human Gene Mutation Database (HGMD: prior to June 1st, 2018), and was therefore a candidate for classification through an automated scoring system. Utilizing variant allele frequency, disease prevalence and penetrance estimates, and inheritance mode, an automated score was calculated to assess if this variant is too frequent to cause the disease. Based on the score and internal cut-off values, a variant classified as likely benign is not then subjected to further curation. The score for this variant resulted in a classification of likely benign for this disease.

Illumina Laboratory Services, Illumina
Classification: Benign for Tibial muscular dystrophy. Last evaluated: 2018-01-13. Review status: criteria provided, single submitter. Criteria: ICSL Variant Classification Criteria 13 December 2019. Collection method: clinical testing. Allele origin: germline.
Comment: the same text as in the submission from Illumina Laboratory Services, Illumina above.

Illumina Laboratory Services, Illumina
Classification: Likely benign for Autosomal recessive limb-girdle muscular dystrophy type 2J. Last evaluated: 2018-01-13. Review status: criteria provided, single submitter. Criteria: ICSL Variant Classification Criteria 13 December 2019. Collection method: clinical testing. Allele origin: germline.
Comment: the same text as in the submission from Illumina Laboratory Services, Illumina above.

Illumina Laboratory Services, Illumina
Classification: Likely benign for Early-onset myopathy with fatal cardiomyopathy. Last evaluated: 2018-01-13. Review status: criteria provided, single submitter. Criteria: ICSL Variant Classification Criteria 13 December 2019. Collection method: clinical testing. Allele origin: germline.
Comment: the same text as in the submission from Illumina Laboratory Services, Illumina above.

CHEO Genetics Diagnostic Laboratory, Children's Hospital of Eastern Ontario
Classification: Benign for Cardiomyopathy. Last evaluated: 2017-11-03. Review status: criteria provided, single submitter. Criteria: ACMG Guidelines, 2015. Collection method: clinical testing. Allele origin: germline.

GeneDx
Classification: Benign. Last evaluated: 2016-06-21. Review status: criteria provided, single submitter. Criteria: GeneDx Variant Classification (06012015). Collection method: clinical testing. Allele origin: germline. Affected: yes.
Comment: This variant is considered likely benign or benign based on one or more of the following criteria: it is a conservative change, it occurs at a poorly conserved position in the protein, it is predicted to be benign by multiple in silico algorithms, and/or has population frequency not consistent with disease.

Ambry Genetics
Classification: Benign for Cardiovascular phenotype. Last evaluated: 2016-02-10. Review status: criteria provided, single submitter. Criteria: Ambry Variant Classification Scheme 2023. Collection method: clinical testing. Allele origin: germline.

Eurofins Ntd Llc (ga)
Classification: Benign. Last evaluated: 2015-06-10. Review status: criteria provided, single submitter. Criteria: EGL Classification Definitions 2015. Collection method: clinical testing. Allele origin: germline. Observed: 1 variant allele, 1 heterozygote.

Biesecker Lab/Clinical Genomics Section, National Institutes of Health
Classification: Likely benign. Last evaluated: 2013-06-24. Review status: criteria provided, single submitter. Criteria: Ng et al. (Circ Cardiovasc Genet. 2013). Collection method: research. Allele origin: unknown. Observed: 4 variant alleles. Study: ClinSeq.
Comment: The study set was not selected for affection status in relation to any cancer. Pathogenicity categories were based on literature curation. See Pubmed ID:23861362 for details.

Medical sequencing

Laboratory for Molecular Medicine, Mass General Brigham Personalized Medicine
Classification: Likely benign. Last evaluated: 2012-02-14. Review status: criteria provided, single submitter. Criteria: LMM Criteria. Collection method: clinical testing. Allele origin: germline. Observed: 10 variant alleles.
Comment: Asn6500Lys in exon 77 of TTN: This variant is has been identified in 0.2% (16/65 32) of European American chromosomes from a broad population by the NHLBI Exome Sequencing Project (dbSNP rs72648972). Asn650 0Lys in exon 77 of TTN (rs72648972; allele frequency = 0.2%, 16/6532) **

Breakthrough Genomics
Classification: Likely benign. Review status: criteria provided, single submitter. Criteria: ACMG Guidelines, 2015. Collection method: not provided. Allele origin: germline. Inheritance: Autosomal recessive inheritance. Affected: yes.

Clinical Genetics DNA and cytogenetics Diagnostics Lab, Erasmus MC, Erasmus Medical Center
Classification: Benign. Review status: no assertion criteria provided. Collection method: clinical testing. Allele origin: germline. Affected: yes. Study: VKGL Data-share Consensus. Not counted in ClinVar's aggregate classification.

Clinical Genetics, Academic Medical Center
Classification: Benign. Review status: no assertion criteria provided. Collection method: clinical testing. Allele origin: germline. Affected: yes. Study: VKGL Data-share Consensus. Not counted in ClinVar's aggregate classification.

Joint Genome Diagnostic Labs from Nijmegen and Maastricht, Radboudumc and MUMC+
Classification: Benign. Review status: no assertion criteria provided. Collection method: clinical testing. Allele origin: germline. Affected: yes. Study: VKGL Data-share Consensus. Not counted in ClinVar's aggregate classification.

NM_001267550.2(TTN):c.23232C>G (p.Asn7744Lys)

Gene: TTN (titin; minus strand). Cytogenetic location: 2q31.2.
Variant type: single nucleotide variant.
Coding change: c.23232C>G on transcript NM_001267550.2 (MANE Select); coding-DNA position 23232, C replaced by G.
Protein change: p.Asn7744Lys; replaces asparagine 7744 with lysine.
Molecular consequence: missense variant. On other transcripts: intron variant (3).
Genome position (GRCh38, 1-based): chr2:178,720,530, G>C on the plus strand (C>G on the coding strand, the complement: TTN is on the minus strand). VCF-style: chr2-178720530-G-C. GRCh37 (hg19) VCF-style: chr2-179585257-G-C.
Other names: p.N7427K:AAC>AAG; c.22281C>G, p.Asn7427Lys (NM_001256850.1); c.19500C>G, p.Asn6500Lys (NM_133378.4); c.13282+17552C>G (NM_003319.4); c.13858+17552C>G (NM_133437.4); c.13657+17552C>G (NM_133432.3); short protein forms N7744K, N6500K, N7427K.
Identifiers: ClinVar variation 46715 (VCV000046715.37), dbSNP rs72648972, ClinGen allele CA139024.